The following is an entry in ClinVar:

ClinVar aggregate classification (germline): Conflicting classifications of pathogenicity. Review status: criteria provided, conflicting classifications (1 of 4 stars). 8 submissions from 7 submitters: Uncertain significance (3); Benign (1); Likely benign (4). Last evaluated 2026-01-27.

Conditions:
Schwartz-Jampel syndrome. Also called: Myotonic myopathy dwarfism chondrodystrophy and ocular and facial abnormalities. Identifiers: Orphanet 800, MedGen C0036391, MONDO:0009717.
Lethal Kniest-like syndrome (DDSH). Also called: Dyssegmental Dysplasia. Identifiers: Orphanet 1865, MedGen C1857100, MONDO:0009140, OMIM 224410.

Allele frequency attached by ClinVar (database versions not stated): 1000 Genomes Project 30x 0.00016; TOPMed 0.00048; ESP Exome Variant Server 0.00077.
gnomAD v4.1: 1,564 of 1,613,642 alleles (0.097%); highest among the groups gnomAD compares: Non-Finnish European, 0.12%; 1 homozygote.

Submissions (8):

Labcorp Genetics (formerly Invitae), Labcorp
Classification: Likely benign. Last evaluated: 2026-01-27. Review status: criteria provided, single submitter. Criteria: Invitae Variant Classification Sherloc (09022015). Collection method: clinical testing. Allele origin: germline.

Blueprint Genetics
Classification: Likely benign. Last evaluated: 2024-11-12. Review status: criteria provided, single submitter. Criteria: ACMG Guidelines, 2015. Collection method: clinical testing. Allele origin: germline.

CeGaT Center for Human Genetics Tuebingen
Classification: Likely benign. Last evaluated: 2024-05-01. Review status: criteria provided, single submitter. Criteria: CeGaT Center For Human Genetics Tuebingen Variant Classification Criteria Version 2. Collection method: clinical testing. Allele origin: germline. Affected: yes. Observed: 2 variant alleles.
Comment: HSPG2: BP4, BP7

ARUP Laboratories, Molecular Genetics and Genomics, ARUP Laboratories
Classification: Likely benign. Last evaluated: 2021-03-16. Review status: criteria provided, single submitter. Criteria: ARUP Molecular Germline Variant Investigation Process 2021. Collection method: clinical testing. Allele origin: germline.

Athena Diagnostics
Classification: Benign. Last evaluated: 2020-09-17. Review status: criteria provided, single submitter. Criteria: Athena Diagnostics criteria. Collection method: clinical testing. Allele origin: unknown.

Illumina Laboratory Services, Illumina
Classification: Uncertain significance for Lethal Kniest-like syndrome. Last evaluated: 2018-01-12. Review status: criteria provided, single submitter. Criteria: ICSL Variant Classification Criteria 13 December 2019. Collection method: clinical testing. Allele origin: germline.

Illumina Laboratory Services, Illumina
Classification: Uncertain significance for Schwartz-Jampel syndrome type 1. Last evaluated: 2018-01-12. Review status: criteria provided, single submitter. Criteria: ICSL Variant Classification Criteria 13 December 2019. Collection method: clinical testing. Allele origin: germline.

Eurofins Ntd Llc (ga)
Classification: Uncertain significance. Last evaluated: 2016-10-18. Review status: criteria provided, single submitter. Criteria: EGL Classification Definitions 2015. Collection method: clinical testing. Allele origin: germline. Observed: 1 variant allele, 1 heterozygote.

NM_005529.7(HSPG2):c.6141T>C (p.Asp2047=)

Gene: HSPG2 (heparan sulfate proteoglycan 2; minus strand). Cytogenetic location: 1p36.12.
Variant type: single nucleotide variant.
Coding change: c.6141T>C on transcript NM_005529.7 (MANE Select); coding-DNA position 6141, T replaced by C.
Protein change: p.Asp2047=; no amino-acid change (aspartic acid 2047 retained).
Molecular consequence: synonymous variant.
Genome position (GRCh38, 1-based): chr1:21,854,758, A>G on the plus strand (T>C on the coding strand, the complement: HSPG2 is on the minus strand). VCF-style: chr1-21854758-A-G. GRCh37 (hg19) VCF-style: chr1-22181251-A-G.
Other names: c.6144T>C, p.Asp2048= (NM_001291860.2).
Identifiers: ClinVar variation 295814 (VCV000295814.52), dbSNP rs150129885, ClinGen allele CA671644.